The following is an entry in ClinVar:

NM_001039141.3(TRIOBP):c.5881A>G (p.Thr1961Ala)

Gene: TRIOBP (TRIO and F-actin binding protein; plus strand). Cytogenetic location: 22q13.1.
Variant type: single nucleotide variant.
Coding change: c.5881A>G on transcript NM_001039141.3 (MANE Select); coding-DNA position 5881, A replaced by G.
Protein change: p.Thr1961Ala; replaces threonine 1961 with alanine.
Molecular consequence: missense variant.
Genome position (GRCh38, 1-based): chr22:37,757,806, A>G. VCF-style: chr22-37757806-A-G. GRCh37 (hg19) VCF-style: chr22-38153813-A-G.
Other names: c.742A>G, p.Thr248Ala (NM_007032.5, NM_138632.2); short protein forms T1961A, T248A.
Identifiers: ClinVar variation 2083440 (VCV002083440.4), dbSNP rs2518222069, ClinGen allele CA411507101.

ClinVar aggregate classification (germline): Uncertain significance (1 of 4 stars; one submission).

gnomAD v4.1: 1 of 1,547,068 alleles (0.000065%); highest among the groups gnomAD compares: Non-Finnish European, 0.000087%; no homozygotes.

Submission:

Labcorp Genetics (formerly Invitae), Labcorp
Classification: Uncertain significance. Last evaluated: 2022-03-16. Review status: criteria provided, single submitter. Criteria: Invitae Variant Classification Sherloc (09022015). Collection method: clinical testing. Allele origin: germline.
Comment: In summary, the available evidence is currently insufficient to determine the role of this variant in disease. Therefore, it has been classified as a Variant of Uncertain Significance. Algorithms developed to predict the effect of missense changes on protein structure and function output the following: SIFT: "Tolerated"; PolyPhen-2: "Benign"; Align-GVGD: "Class C0". The alanine amino acid residue is found in multiple mammalian species, which suggests that this missense change does not adversely affect protein function. This variant has not been reported in the literature in individuals affected with TRIOBP-related conditions. This variant is not present in population databases (gnomAD no frequency). This sequence change replaces threonine, which is neutral and polar, with alanine, which is neutral and non-polar, at codon 1961 of the TRIOBP protein (p.Thr1961Ala).